The following is an entry in ClinVar:

ClinVar aggregate classification (germline): Uncertain significance (1 of 4 stars; one submission).

Allele frequency attached by ClinVar (database versions not stated): ExAC 0.00001.

Submission:

Labcorp Genetics (formerly Invitae), Labcorp
Classification: Uncertain significance. Last evaluated: 2024-10-15. Review status: criteria provided, single submitter. Criteria: Invitae Variant Classification Sherloc (09022015). Collection method: clinical testing. Allele origin: germline.
Comment: This sequence change replaces glutamine, which is neutral and polar, with arginine, which is basic and polar, at codon 36 of the IFT81 protein (p.Gln36Arg). The frequency data for this variant in the population databases is considered unreliable, as metrics indicate poor data quality at this position in the gnomAD database. This variant has not been reported in the literature in individuals affected with IFT81-related conditions. ClinVar contains an entry for this variant (Variation ID: 2114214). Invitae Evidence Modeling of protein sequence and biophysical properties (such as structural, functional, and spatial information, amino acid conservation, physicochemical variation, residue mobility, and thermodynamic stability) indicates that this missense variant is expected to disrupt IFT81 protein function with a positive predictive value of 80%. In summary, the available evidence is currently insufficient to determine the role of this variant in disease. Therefore, it has been classified as a Variant of Uncertain Significance.

NM_014055.4(IFT81):c.107A>G (p.Gln36Arg)

Gene: IFT81 (intraflagellar transport 81; plus strand). Cytogenetic location: 12q24.11.
Variant type: single nucleotide variant.
Coding change: c.107A>G on transcript NM_014055.4 (MANE Select); coding-DNA position 107, A replaced by G.
Protein change: p.Gln36Arg; replaces glutamine 36 with arginine.
Molecular consequence: missense variant. On other transcripts: 5 prime UTR variant (2), non-coding transcript variant (4).
Genome position (GRCh38, 1-based): chr12:110,127,487, A>G. VCF-style: chr12-110127487-A-G. GRCh37 (hg19) VCF-style: chr12-110565292-A-G.
Other names: c.107A>G, p.Gln36Arg (NM_001143779.2, NM_001347946.2, NM_031473.4); c.-660A>G (NM_001347947.2, NM_001347948.2); short protein forms Q36R.
Identifiers: ClinVar variation 2114214 (VCV002114214.4), dbSNP rs780707962, ClinGen allele CA6782989.